The following is an entry in ClinVar:

ClinVar aggregate classification (germline): Conflicting classifications of pathogenicity. Review status: criteria provided, conflicting classifications (1 of 4 stars). 6 submissions from 6 submitters: Pathogenic (4); Uncertain significance (1). 1 of the submissions does not count toward it. Last evaluated 2024-02-15.

Conditions:
Pyridoxine-dependent epilepsy (EPEO4). Also called: Pyridoxine-Dependent Seizures; Pyridoxine-Dependent Epilepsy - ALDH7A1; PYRIDOXINE DEPENDENCY WITH SEIZURES; EPILEPSY, EARLY-ONSET, 4, VITAMIN B6-DEPENDENT. Identifiers: Orphanet 3006, MedGen C1849508, MONDO:0009945, OMIM 266100. Disease mechanism: loss of function.

Allele frequency attached by ClinVar (database versions not stated): gnomAD 0.00001 and 0.00003; gnomAD exomes 0.00001 and 0.00007; TOPMed 0.00002; ExAC 0.00007; 1000 Genomes Project 30x 0.00016; 1000 Genomes Project 0.00020.
gnomAD v4.1: 16 of 1,614,204 alleles (0.00099%); highest among the groups gnomAD compares: East Asian, 0.036%; no homozygotes.

Submissions (6):

Labcorp Genetics (formerly Invitae), Labcorp
Classification: Pathogenic for Pyridoxine-dependent epilepsy. Last evaluated: 2024-02-15. Review status: criteria provided, single submitter. Criteria: Invitae Variant Classification Sherloc (09022015). Collection method: clinical testing. Allele origin: germline.
Comment: This sequence change replaces tyrosine, which is neutral and polar, with cysteine, which is neutral and slightly polar, at codon 516 of the ALDH7A1 protein (p.Tyr516Cys). This variant is present in population databases (rs200102503, gnomAD 0.1%). This missense change has been observed in individual(s) with pyridoxine-dependent epilepsy (PMID: 29852413, 31737911, 31965297). In at least one individual the data is consistent with being in trans (on the opposite chromosome) from a pathogenic variant. ClinVar contains an entry for this variant (Variation ID: 647989). Advanced modeling of protein sequence and biophysical properties (such as structural, functional, and spatial information, amino acid conservation, physicochemical variation, residue mobility, and thermodynamic stability) performed at Invitae indicates that this missense variant is expected to disrupt ALDH7A1 protein function with a positive predictive value of 95%. For these reasons, this variant has been classified as Pathogenic.

Genome-Nilou Lab
Classification: Pathogenic for Pyridoxine-dependent epilepsy. Last evaluated: 2023-04-11. Review status: criteria provided, single submitter. Criteria: ACMG Guidelines, 2015. Collection method: clinical testing. Allele origin: germline. Affected: no.

Revvity Omics, Revvity
Classification: Pathogenic for Pyridoxine-dependent epilepsy. Last evaluated: 2021-04-28. Review status: criteria provided, single submitter. Criteria: ACMG Guidelines, 2015. Collection method: clinical testing. Allele origin: germline.

Blueprint Genetics
Classification: Uncertain significance. Last evaluated: 2019-08-30. Review status: criteria provided, single submitter. Criteria: ACMG Guidelines, 2015. Collection method: clinical testing. Allele origin: germline.

Juno Genomics, Hangzhou Juno Genomics, Inc
Classification: Pathogenic for Pyridoxine-dependent epilepsy. Review status: criteria provided, single submitter. Criteria: ACMG Guidelines, 2015. Collection method: clinical testing. Allele origin: germline.
Comment: Absent from controls (or at extremely low frequency if recessive) in Genome Aggregation Database.;Multiple lines of computational evidence support a deleterious effect on the gene or gene product.;For recessive disorders, detected in trans with a pathogenic variant.;Patient's phenotype or family history is highly specific for a disease with a single genetic etiology.

Center of Excellence for Medical Genomics, Chulalongkorn University
Classification: Likely pathogenic for Pyridoxine-dependent epilepsy. Last evaluated: 2002-09-08. Review status: no assertion criteria provided. Collection method: research. Allele origin: paternal. Affected: yes. Not counted in ClinVar's aggregate classification.

Literature cited by the submitters: PubMed 29852413 (cited by Labcorp Genetics (formerly Invitae), Labcorp); PubMed 31737911 (cited by Labcorp Genetics (formerly Invitae), Labcorp); PubMed 31965297 (cited by Labcorp Genetics (formerly Invitae), Labcorp).

NM_001182.5(ALDH7A1):c.1547A>G (p.Tyr516Cys)

Gene: ALDH7A1 (aldehyde dehydrogenase 7 family member A1; minus strand). Cytogenetic location: 5q23.2.
Variant type: single nucleotide variant.
Coding change: c.1547A>G on transcript NM_001182.5 (MANE Select); coding-DNA position 1547, A replaced by G.
Protein change: p.Tyr516Cys; replaces tyrosine 516 with cysteine.
Molecular consequence: missense variant.
Genome position (GRCh38, 1-based): chr5:126,546,342, T>C on the plus strand (A>G on the coding strand, the complement: ALDH7A1 is on the minus strand). VCF-style: chr5-126546342-T-C. GRCh37 (hg19) VCF-style: chr5-125882034-T-C.
Other names: c.1463A>G, p.Tyr488Cys (NM_001201377.2); c.1355A>G, p.Tyr452Cys (NM_001202404.2); short protein forms Y452C, Y488C, Y516C.
Identifiers: ClinVar variation 647989 (VCV000647989.18), dbSNP rs200102503, ClinGen allele CA3389375.